The following is an entry in ClinVar:

ClinVar aggregate classification (germline): Conflicting classifications of pathogenicity. Review status: criteria provided, conflicting classifications (1 of 4 stars). 9 submissions from 9 submitters: Uncertain significance (2); Benign (1); Likely benign (5). 1 of the submissions does not count toward it. Last evaluated 2025-11-23.

Conditions:
Hypercholesterolemia, autosomal dominant, 3 (FHCL3). Also called: Familial Hypercholesterolemia, Autosomal Dominant, 3; Familial hypercholesterolemia 3; PCSK9-Related Familial Hypercholesterolemia, Autosomal Dominant. Identifiers: MedGen C1863551, MONDO:0011369, OMIM 603776.
PCSK9-related disorder. Also called: PCSK9-related condition; PCSK9-related disorders.
Familial hypercholesterolemia. Also called: Familial hypercholesterolemias; Familial hypercholesterolaemia. Identifiers: MedGen C0020445, MONDO:0005439.
Cardiovascular phenotype. Identifiers: MedGen CN230736.

Allele frequency attached by ClinVar (database versions not stated): TOPMed 0.00004; ESP Exome Variant Server 0.00008.
gnomAD v4.1: 47 of 1,613,734 alleles (0.0029%); highest among the groups gnomAD compares: Admixed American, 0.037%; no homozygotes.

Submissions (9):

Labcorp Genetics (formerly Invitae), Labcorp
Classification: Uncertain significance for Hypercholesterolemia, autosomal dominant, 3. Last evaluated: 2025-11-23. Review status: criteria provided, single submitter. Criteria: Invitae Variant Classification Sherloc (09022015). Collection method: clinical testing. Allele origin: germline.
Comment: This sequence change affects codon 174 of the PCSK9 mRNA. It is a 'silent' change, meaning that it does not change the encoded amino acid sequence of the PCSK9 protein. It affects a nucleotide within the consensus splice site. This variant is present in population databases (rs373018373, gnomAD 0.01%). This variant has not been reported in the literature in individuals affected with PCSK9-related conditions. ClinVar contains an entry for this variant (Variation ID: 927823). Algorithms developed to predict the effect of sequence changes on RNA splicing suggest that this variant is not likely to affect RNA splicing. In summary, the available evidence is currently insufficient to determine the role of this variant in disease. Therefore, it has been classified as a Variant of Uncertain Significance.

GENinCode PLC
Classification: Likely benign for Familial hypercholesterolemia. Last evaluated: 2025-01-10. Review status: criteria provided, single submitter. Criteria: ACMG Guidelines, 2015. Collection method: clinical testing. Allele origin: germline.
Comment: This is a synonymous (silent) variant that is not predicted to impact splicing and occurs at a nucleotide which is not highly conserved. This variant has been classified as Likely Benign (BP4, BP7).

All of Us Research Program, National Institutes of Health
Classification: Likely benign for Hypercholesterolemia, autosomal dominant, 3. Last evaluated: 2023-12-18. Review status: criteria provided, single submitter. Criteria: ACMG Guidelines, 2015. Collection method: clinical testing. Allele origin: germline. Inheritance: Autosomal dominant inheritance. Observed: 19 variant alleles, 19 heterozygotes.
Comment: This study involves interpretation of variants in research participants for the purpose of population health screening. Participant phenotype was not available at the time of variant classification. Additional details can be found in publication PMID: 35346344, PMCID: PMC8962531

Women's Health and Genetics/Laboratory Corporation of America, LabCorp
Classification: Uncertain significance. Last evaluated: 2023-08-06. Review status: criteria provided, single submitter. Criteria: LabCorp Variant Classification Summary - May 2015. Collection method: clinical testing. Allele origin: germline.

Quest Diagnostics Nichols Institute San Juan Capistrano
Classification: Benign. Last evaluated: 2023-04-11. Review status: criteria provided, single submitter. Criteria: Quest Diagnostics criteria. Collection method: clinical testing. Allele origin: unknown.

CeGaT Center for Human Genetics Tuebingen
Classification: Likely benign. Last evaluated: 2023-04-01. Review status: criteria provided, single submitter. Criteria: CeGaT Center For Human Genetics Tuebingen Variant Classification Criteria Version 2. Collection method: clinical testing. Allele origin: germline. Affected: yes. Observed: 2 variant alleles.
Comment: PCSK9: BP4, BP7

Ambry Genetics
Classification: Likely benign for Cardiovascular phenotype. Last evaluated: 2023-01-28. Review status: criteria provided, single submitter. Criteria: Ambry Variant Classification Scheme 2023. Collection method: clinical testing. Allele origin: germline.

Color Diagnostics, LLC DBA Color Health
Classification: Likely benign for Familial hypercholesterolemia. Last evaluated: 2018-07-16. Review status: criteria provided, single submitter. Criteria: ACMG Guidelines, 2015. Collection method: clinical testing. Allele origin: germline.

PreventionGenetics, part of Exact Sciences
Classification: Likely benign for PCSK9-related condition. Last evaluated: 2019-06-06. Review status: no assertion criteria provided. Collection method: clinical testing. Allele origin: germline. Not counted in ClinVar's aggregate classification.
Comment: This variant is classified as likely benign based on ACMG/AMP sequence variant interpretation guidelines (Richards et al. 2015 PMID: 25741868, with internal and published modifications).

NM_174936.4(PCSK9):c.522C>T (p.Pro174=)

Gene: PCSK9 (proprotein convertase subtilisin/kexin type 9; plus strand). Cytogenetic location: 1p32.3.
Variant type: single nucleotide variant.
Coding change: c.522C>T on transcript NM_174936.4 (MANE Select); coding-DNA position 522, C replaced by T.
Protein change: p.Pro174=; no amino-acid change (proline 174 retained).
Molecular consequence: synonymous variant.
Genome position (GRCh38, 1-based): chr1:55,046,645, C>T. VCF-style: chr1-55046645-C-T. GRCh37 (hg19) VCF-style: chr1-55512318-C-T.
Identifiers: ClinVar variation 927823 (VCV000927823.41), dbSNP rs373018373, ClinGen allele CA042698.